The following is an entry in ClinVar:

ClinVar aggregate classification (germline): Uncertain significance. Review status: criteria provided, multiple submitters, no conflicts (2 of 4 stars). 3 submissions from 3 submitters: Uncertain significance (3). Last evaluated 2025-07-20.

Conditions:
Hypertrophic cardiomyopathy. Also called: HYPERTROPHIC MYOCARDIOPATHY. Identifiers: Orphanet 217569, MedGen C0007194, MeSH D002312, MONDO:0005045, HP:0001639.
Cardiomyopathy (CMYO). Also called: Cardiomyopathies. Identifiers: Orphanet 167848, MedGen C0878544, MONDO:0004994, HP:0001638. Inheritance: Various modes of inheritance.

Allele frequency attached by ClinVar (database versions not stated): gnomAD exomes 0.00002 and 0.00004; ExAC 0.00003.

Submissions (3):

Labcorp Genetics (formerly Invitae), Labcorp
Classification: Uncertain significance for Hypertrophic cardiomyopathy. Last evaluated: 2025-07-20. Review status: criteria provided, single submitter. Criteria: Invitae Variant Classification Sherloc (09022015). Collection method: clinical testing. Allele origin: germline.
Comment: This sequence change replaces serine, which is neutral and polar, with glycine, which is neutral and non-polar, at codon 734 of the MYBPC3 protein (p.Ser734Gly). This variant is present in population databases (rs747081382, gnomAD 0.03%). This missense change has been observed in individual(s) with clinical features of MYBPC3-related conditions (PMID: 30731207). ClinVar contains an entry for this variant (Variation ID: 1434184). An algorithm developed to predict the effect of missense changes on protein structure and function (PolyPhen-2) suggests that this variant is likely to be disruptive. In summary, the available evidence is currently insufficient to determine the role of this variant in disease. Therefore, it has been classified as a Variant of Uncertain Significance.

All of Us Research Program, National Institutes of Health
Classification: Uncertain significance for Hypertrophic cardiomyopathy. Last evaluated: 2024-03-05. Review status: criteria provided, single submitter. Criteria: ACMG Guidelines, 2015. Collection method: clinical testing. Allele origin: germline. Inheritance: Autosomal dominant inheritance. Observed: 1 variant allele, 1 heterozygote.
Comment: This missense variant replaces serine with glycine at codon 734 of the MYBPC3 protein. Computational prediction suggests that this variant may not impact protein structure and function (internally defined REVEL score threshold <= 0.5, PMID: 27666373). To our knowledge, functional studies have not been reported for this variant. This variant has not been reported in individuals affected with cardiovascular disorders in the literature. This variant has been identified in 10/248872 chromosomes in the general population by the Genome Aggregation Database (gnomAD). The available evidence is insufficient to determine the role of this variant in disease conclusively. Therefore, this variant is classified as a Variant of Uncertain Significance.

This study involves interpretation of variants in research participants for the purpose of population health screening. Participant phenotype was not available at the time of variant classification. Additional details can be found in publication PMID: 35346344, PMCID: PMC8962531

Color Diagnostics, LLC DBA Color Health
Classification: Uncertain significance for Cardiomyopathy. Last evaluated: 2021-10-05. Review status: criteria provided, single submitter. Criteria: ACMG Guidelines, 2015. Collection method: clinical testing. Allele origin: germline.
Comment: This missense variant replaces serine with glycine at codon 734 of the MYBPC3 protein. Computational prediction suggests that this variant may not impact protein structure and function (internally defined REVEL score threshold <= 0.5, PMID: 27666373). To our knowledge, functional studies have not been reported for this variant. This variant has not been reported in individuals affected with cardiovascular disorders in the literature. This variant has been identified in 10/248872 chromosomes in the general population by the Genome Aggregation Database (gnomAD). The available evidence is insufficient to determine the role of this variant in disease conclusively. Therefore, this variant is classified as a Variant of Uncertain Significance.

Literature cited by the submitters: PubMed 30731207 (cited by Labcorp Genetics (formerly Invitae), Labcorp).

NM_000256.3(MYBPC3):c.2200A>G (p.Ser734Gly)

Gene: MYBPC3 (myosin binding protein C3; minus strand). Cytogenetic location: 11p11.2.
Variant type: single nucleotide variant.
Coding change: c.2200A>G on transcript NM_000256.3 (MANE Select); coding-DNA position 2200, A replaced by G.
Protein change: p.Ser734Gly; replaces serine 734 with glycine.
Molecular consequence: missense variant.
Genome position (GRCh38, 1-based): chr11:47,338,628, T>C on the plus strand (A>G on the coding strand, the complement: MYBPC3 is on the minus strand). VCF-style: chr11-47338628-T-C. GRCh37 (hg19) VCF-style: chr11-47360179-T-C.
Other names: short protein forms S734G.
Identifiers: ClinVar variation 1434184 (VCV001434184.11), dbSNP rs747081382, ClinGen allele CA011895.
Genomic context (GRCh38, chr11:47,338,628, plus strand): 5'-TCACTGTGACCGTGTAGACGCCCTCATCTTCCTTCTCTGCCCCCTCGACCGTGAAGATGC[T>C]GCGGTCCTTGGTGGTCTCCACGCGGACCCGGCCCTCGGTCTCACACAGCAGCTGGGGGGG-3'
Protein context (NP_000247.2, residues 724-744): RVRVETTKDR[Ser734Gly]IFTVEGAEKE